The following is an entry in ClinVar:

NM_000252.3(MTM1):c.804_805del (p.Asn268fs)

Gene: MTM1 (myotubularin 1; plus strand). Cytogenetic location: Xq28.
Variant type: Deletion.
Coding change: c.804_805del on transcript NM_000252.3 (MANE Select); coding-DNA positions 804 to 805, 2 bases deleted (TA; older notation c.804_805delTA).
Protein change: p.Asn268fs; shifts the reading frame from asparagine 268.
Molecular consequence: frameshift variant.
Genome position (GRCh38, 1-based): chrX:150,645,808-150,645,809, TA deleted; deleting any 2 consecutive bases within chrX:150,645,807-150,645,809 gives the same sequence; the c. name uses the placement nearest the transcript's 3' end. VCF-style (leftmost placement, unchanged base first): chrX-150645806-AAT-A. GRCh37 (hg19) VCF-style: chrX-149814279-AAT-A.
Other names: c.804_805del, p.Asn268fs (NM_001376906.1, NM_001376908.1); c.693_694del, p.Asn231fs (NM_001376907.1); short protein forms N268fs, N231fs.
Identifiers: ClinVar variation 2839209 (VCV002839209.3), dbSNP rs2522381840, ClinGen allele CA2739273844.

ClinVar aggregate classification (germline): Pathogenic (1 of 4 stars; one submission).

Conditions:
Severe X-linked myotubular myopathy (CNMX). Also called: X-linked centronuclear myopathy; MYOTUBULAR MYOPATHY 1; Myotubular myopathy, X-linked. Identifiers: Orphanet 596, MedGen C0410203, MONDO:0010683, OMIM 310400.

Submission:

Labcorp Genetics (formerly Invitae), Labcorp
Classification: Pathogenic for Severe X-linked myotubular myopathy. Last evaluated: 2023-02-20. Review status: criteria provided, single submitter. Criteria: Invitae Variant Classification Sherloc (09022015). Collection method: clinical testing. Allele origin: germline.
Comment: This variant is not present in population databases (gnomAD no frequency). This sequence change creates a premature translational stop signal (p.Asn268Lysfs*5) in the MTM1 gene. It is expected to result in an absent or disrupted protein product. Loss-of-function variants in MTM1 are known to be pathogenic (PMID: 9305655, 10063835). This variant has not been reported in the literature in individuals affected with MTM1-related conditions. For these reasons, this variant has been classified as Pathogenic.

Literature cited by the submitters: PubMed 9305655; PubMed 10063835.